The following is an entry in ClinVar:

NM_004370.6(COL12A1):c.6425C>T (p.Pro2142Leu)

Gene: COL12A1 (collagen type XII alpha 1 chain; minus strand). Cytogenetic location: 6q13.
Variant type: single nucleotide variant.
Coding change: c.6425C>T on transcript NM_004370.6 (MANE Select); coding-DNA position 6425, C replaced by T.
Protein change: p.Pro2142Leu; replaces proline 2142 with leucine.
Molecular consequence: missense variant.
Genome position (GRCh38, 1-based): chr6:75,126,386, G>A on the plus strand (C>T on the coding strand, the complement: COL12A1 is on the minus strand). VCF-style: chr6-75126386-G-A. GRCh37 (hg19) VCF-style: chr6-75836102-G-A.
Other names: c.6425C>T, p.Pro2142Leu (NM_001424113.1); c.6404C>T, p.Pro2135Leu (NM_001424114.1); c.6152C>T, p.Pro2051Leu (NM_001424115.1); c.2933C>T, p.Pro978Leu (NM_001424116.1, NM_080645.3); short protein forms P2051L, P2135L, P2142L, P978L.
Identifiers: ClinVar variation 3749144 (VCV003749144.2).

ClinVar aggregate classification (germline): Uncertain significance (1 of 4 stars; one submission).

Conditions:
Ullrich congenital muscular dystrophy 2 (UCMD2). Identifiers: Orphanet 75840, MedGen C4225314, MONDO:0014654, OMIM 616470.
Bethlem myopathy 2 (BTHLM2). Identifiers: Orphanet 536516, Orphanet 610, MedGen C4225313, MONDO:0034022, OMIM 616471.

Submission:

Labcorp Genetics (formerly Invitae), Labcorp
Classification: Uncertain significance for Bethlem myopathy 2; Ullrich congenital muscular dystrophy 2. Last evaluated: 2024-11-02. Review status: criteria provided, single submitter. Criteria: Invitae Variant Classification Sherloc (09022015). Collection method: clinical testing. Allele origin: germline.
Comment: This sequence change replaces proline, which is neutral and non-polar, with leucine, which is neutral and non-polar, at codon 2142 of the COL12A1 protein (p.Pro2142Leu). This variant is present in population databases (rs202237518, gnomAD 0.002%). This variant has not been reported in the literature in individuals affected with COL12A1-related conditions. Invitae Evidence Modeling of protein sequence and biophysical properties (such as structural, functional, and spatial information, amino acid conservation, physicochemical variation, residue mobility, and thermodynamic stability) indicates that this missense variant is not expected to disrupt COL12A1 protein function with a negative predictive value of 80%. Algorithms developed to predict the effect of sequence changes on RNA splicing suggest that this variant may disrupt the consensus splice site. In summary, the available evidence is currently insufficient to determine the role of this variant in disease. Therefore, it has been classified as a Variant of Uncertain Significance.